The following is an entry in ClinVar:

NM_001386298.1(CIC):c.2541A>T (p.Pro847=)

Gene: CIC (capicua transcriptional repressor; plus strand). Cytogenetic location: 19q13.2.
Variant type: single nucleotide variant.
Coding change: c.2541A>T on transcript NM_001386298.1 (MANE Select); coding-DNA position 2541, A replaced by T.
Protein change: p.Pro847=; no amino-acid change (proline 847 retained).
Molecular consequence: synonymous variant.
Genome position (GRCh38, 1-based): chr19:42,274,324, A>T. VCF-style: chr19-42274324-A-T. GRCh37 (hg19) VCF-style: chr19-42778476-A-T.
Other names: c.2541A>T, p.Pro847= (NM_001304815.2, NM_001379480.1, NM_001379482.1 and 1 more transcripts).
Identifiers: ClinVar variation 2649969 (VCV002649969.25), dbSNP rs1047562997, ClinGen allele CA308616044.
Genomic context (GRCh38, chr19:42,274,324, plus strand): 5'-GGTGGGCACTGCTGGTGAGGTGCGGGCTGGGGGACCTGGGCGGGGCTGCCGTGAAACCCC[A>T]GTGCCCCCTGGGGTGGCCAGTGGGAAGCCTGGCCTGCCCCCACCTCTGCCAGCCCCCGTG-3'
Protein context (NP_001373227.1, residues 837-857): GGPGRGCRET[Pro847=]VPPGVASGKP

ClinVar aggregate classification (germline): Likely benign. Review status: criteria provided, multiple submitters, no conflicts (2 of 4 stars). 2 submissions from 2 submitters: Likely benign (2). Last evaluated 2024-11-25.

Allele frequency attached by ClinVar (database versions not stated): gnomAD 0.00004; TOPMed 0.00005; gnomAD exomes 0.00012.
gnomAD v4.1: 35 of 398,416 alleles (0.0088%); highest among the groups gnomAD compares: Middle Eastern, 0.31%; no homozygotes.

Submissions (2):

Blueprint Genetics
Classification: Likely benign. Last evaluated: 2024-11-25. Review status: criteria provided, single submitter. Criteria: ACMG Guidelines, 2015. Collection method: clinical testing. Allele origin: germline.

CeGaT Center for Human Genetics Tuebingen
Classification: Likely benign. Last evaluated: 2024-05-01. Review status: criteria provided, single submitter. Criteria: CeGaT Center For Human Genetics Tuebingen Variant Classification Criteria Version 2. Collection method: clinical testing. Allele origin: germline. Affected: yes. Observed: 3 variant alleles.
Comment: CIC: BP4, BP7